The following is an entry in ClinVar:

NM_001384732.1(CPLANE1):c.1835T>C (p.Ile612Thr)

Gene: CPLANE1 (ciliogenesis and planar polarity effector complex subunit 1; minus strand). Cytogenetic location: 5p13.2.
Variant type: single nucleotide variant.
Coding change: c.1835T>C on transcript NM_001384732.1 (MANE Select); coding-DNA position 1835, T replaced by C.
Protein change: p.Ile612Thr; replaces isoleucine 612 with threonine.
Molecular consequence: missense variant.
Genome position (GRCh38, 1-based): chr5:37,226,760, A>G on the plus strand (T>C on the coding strand, the complement: CPLANE1 is on the minus strand). VCF-style: chr5-37226760-A-G. GRCh37 (hg19) VCF-style: chr5-37226862-A-G.
Other names: c.1835T>C, p.Ile612Thr (NM_023073.4); short protein forms I612T.
Identifiers: ClinVar variation 1195387 (VCV001195387.9), dbSNP rs551661336, ClinGen allele CA3239072.

ClinVar aggregate classification (germline): Uncertain significance. Review status: criteria provided, multiple submitters, no conflicts (2 of 4 stars). 4 submissions from 4 submitters: Uncertain significance (4). Last evaluated 2024-04-04.

Conditions:
Inborn genetic diseases. Identifiers: MedGen C0950123, MeSH D030342.
Joubert syndrome 17 (JBTS17). Identifiers: Orphanet 475, MedGen C3553264, MONDO:0013824, OMIM 614615.
Orofaciodigital syndrome type 6 (OFD6). Also called: OROFACIODIGITAL SYNDROME VI; OFDS VI; POLYDACTYLY, CLEFT LIP/PALATE OR LINGUAL LUMP, AND PSYCHOMOTOR RETARDATION; VARADI SYNDROME; VARADI-PAPP SYNDROME; Oral-facial-digital syndrome type 6. Identifiers: Orphanet 2754, MedGen C2745997, MONDO:0010176, OMIM 277170.

Allele frequency attached by ClinVar (database versions not stated): gnomAD exomes 0.00002 and 0.00003; ExAC 0.00005; 1000 Genomes Project 30x 0.00016; gnomAD 0.00019 and 0.00020; TOPMed 0.00019; 1000 Genomes Project 0.00020.

Submissions (4):

Fulgent Genetics
Classification: Uncertain significance for Orofaciodigital syndrome type 6; Joubert syndrome 17. Last evaluated: 2024-04-04. Review status: criteria provided, single submitter. Criteria: ACMG Guidelines, 2015. Collection method: clinical testing. Allele origin: germline.

Labcorp Genetics (formerly Invitae), Labcorp
Classification: Uncertain significance. Last evaluated: 2022-10-03. Review status: criteria provided, single submitter. Criteria: Invitae Variant Classification Sherloc (09022015). Collection method: clinical testing. Allele origin: germline.
Comment: This sequence change replaces isoleucine, which is neutral and non-polar, with threonine, which is neutral and polar, at codon 612 of the CPLANE1 protein (p.Ile612Thr). This variant is present in population databases (rs551661336, gnomAD 0.06%). This variant has not been reported in the literature in individuals affected with CPLANE1-related conditions. ClinVar contains an entry for this variant (Variation ID: 1195387). Advanced modeling of protein sequence and biophysical properties (such as structural, functional, and spatial information, amino acid conservation, physicochemical variation, residue mobility, and thermodynamic stability) performed at Invitae indicates that this missense variant is not expected to disrupt CPLANE1 protein function. In summary, the available evidence is currently insufficient to determine the role of this variant in disease. Therefore, it has been classified as a Variant of Uncertain Significance.

Ambry Genetics
Classification: Uncertain significance for Inborn genetic diseases. Last evaluated: 2021-05-20. Review status: criteria provided, single submitter. Criteria: Ambry Variant Classification Scheme 2023. Collection method: clinical testing. Allele origin: germline.

GeneDx
Classification: Uncertain significance. Last evaluated: 2021-01-26. Review status: criteria provided, single submitter. Criteria: GeneDx Variant Classification Process June 2021. Collection method: clinical testing. Allele origin: germline. Affected: yes.
Comment: In silico analysis supports that this missense variant does not alter protein structure/function; Has not been previously published as pathogenic or benign to our knowledge